The following is an entry in ClinVar:

NM_000110.4(DPYD):c.1003G>T (p.Val335Leu)

Gene: DPYD (dihydropyrimidine dehydrogenase; minus strand). Cytogenetic location: 1p21.3.
Variant type: single nucleotide variant.
Coding change: c.1003G>T on transcript NM_000110.4 (MANE Select); coding-DNA position 1003, G replaced by T.
Protein change: p.Val335Leu; replaces valine 335 with leucine.
Molecular consequence: missense variant.
Genome position (GRCh38, 1-based): chr1:97,593,343, C>A on the plus strand (G>T on the coding strand, the complement: DPYD is on the minus strand). VCF-style: chr1-97593343-C-A. GRCh37 (hg19) VCF-style: chr1-98058899-C-A.
Other names: short protein forms V335L.
Identifiers: ClinVar variation 1327416 (VCV001327416.1), dbSNP rs72549306, ClinGen allele CA27551247.

ClinVar aggregate classification (germline): drug response (3 of 4 stars; one submission).

Conditions:
fluorouracil response - Other.

Submission:

ClinPGx
Classification: drug response for fluorouracil response - Other. Last evaluated: 2021-03-24. Review status: reviewed by expert panel. Criteria: Pharmacogenomics knowledge for personalized medicine. Collection method: curation. Allele origin: germline. Affected: yes.
Comment: PharmGKB Level of Evidence 1A: Level 1A clinical annotations describe variant-drug combinations that have variant-specific prescribing guidance available in a current clinical guideline annotation or an FDA-approved drug label annotation. Annotations of drug labels or clinical guidelines must give prescribing guidance for specific variants (e.g. CYP2C9*3, HLA-B*57:01) or provide mapping from defined allele functions to diplotypes and phenotypes to be used as supporting evidence for a level 1A clinical annotation. Level 1A clinical annotations must also be supported by at least one publication in addition to a clinical guideline or drug label with variant-specific prescribing guidance.

Literature cited by the submitters: PubMed 24648345; PubMed 29769267.